The following is an entry in ClinVar:

NM_000632.4(ITGAM):c.851T>A (p.Val284Asp)

Genes: ITGAM (integrin subunit alpha M; plus strand), LOC126862332 (BRD4-independent group 4 enhancer GRCh37_chr16:31284654-31285853; plus strand). Cytogenetic location: 16p11.2.
Variant type: single nucleotide variant.
Coding change: c.851T>A on transcript NM_000632.4 (MANE Select); coding-DNA position 851, T replaced by A.
Protein change: p.Val284Asp; replaces valine 284 with aspartic acid.
Molecular consequence: missense variant.
Genome position (GRCh38, 1-based): chr16:31,273,511, T>A. VCF-style: chr16-31273511-T-A. GRCh37 (hg19) VCF-style: chr16-31284832-T-A.
Other names: c.851T>A (NM_000632.3); c.851T>A, p.Val284Asp (NM_001145808.2); short protein forms V284D.
Identifiers: ClinVar variation 1938089 (VCV001938089.6), dbSNP rs373307087, ClinGen allele CA8025349.

ClinVar aggregate classification (germline): Uncertain significance. Review status: criteria provided, multiple submitters, no conflicts (2 of 4 stars). 2 submissions from 2 submitters: Uncertain significance (2). Last evaluated 2025-02-11.

Allele frequency attached by ClinVar (database versions not stated): gnomAD 0.00001; gnomAD exomes 0.00001.
gnomAD v4.1: 20 of 1,613,478 alleles (0.0012%); highest among the groups gnomAD compares: Non-Finnish European, 0.00034%; no homozygotes.

Submissions (2):

Ambry Genetics
Classification: Uncertain significance. Last evaluated: 2025-02-11. Review status: criteria provided, single submitter. Criteria: Ambry Variant Classification Scheme 2023. Collection method: clinical testing. Allele origin: germline.

Labcorp Genetics (formerly Invitae), Labcorp
Classification: Uncertain significance. Last evaluated: 2022-08-17. Review status: criteria provided, single submitter. Criteria: Invitae Variant Classification Sherloc (09022015). Collection method: clinical testing. Allele origin: germline.
Comment: In summary, the available evidence is currently insufficient to determine the role of this variant in disease. Therefore, it has been classified as a Variant of Uncertain Significance. Algorithms developed to predict the effect of missense changes on protein structure and function (SIFT, PolyPhen-2, Align-GVGD) all suggest that this variant is likely to be disruptive. This variant has not been reported in the literature in individuals affected with ITGAM-related conditions. This variant is present in population databases (rs373307087, gnomAD 0.06%). This sequence change replaces valine, which is neutral and non-polar, with aspartic acid, which is acidic and polar, at codon 284 of the ITGAM protein (p.Val284Asp).